The following is an entry in ClinVar:

ClinVar aggregate classification (germline): Pathogenic (1 of 4 stars; one submission).

Conditions:
Monogenic hearing loss.

gnomAD v4.1: 68 of 1,545,210 alleles (0.0044%); highest among the groups gnomAD compares: Non-Finnish European, 0.0059%; no homozygotes.

Submission:

Genetics Laboratory, Great Ormond Street Hospital NHS Foundation Trust, North Thames Genomic Laboratory Hub
Classification: Pathogenic for Monogenic hearing loss. Last evaluated: 2025-08-28. Review status: criteria provided, single submitter. Criteria: ACGS Best Practice Guidelines for Variant Classification in Rare Disease 2024 v1.2. Collection method: clinical testing. Allele origin: germline. Affected: yes.
Comment: PM2_moderate, PVS1_very-strong, PM3_supporting

NM_001145026.2(PTPRQ):c.4015+1G>A

Gene: PTPRQ (protein tyrosine phosphatase receptor type Q; plus strand). Cytogenetic location: 12q21.31.
Variant type: single nucleotide variant.
Coding change: c.4015+1G>A on transcript NM_001145026.2 (MANE Select); the canonical splice donor site of the intron after coding-DNA position 4015, G replaced by A.
Molecular consequence: splice donor variant.
Genome position (GRCh38, 1-based): chr12:80,546,698, G>A. VCF-style: chr12-80546698-G-A. GRCh37 (hg19) VCF-style: chr12-80940477-G-A.
Identifiers: ClinVar variation 4294339 (VCV004294339.1).
Genomic context (GRCh38, chr12:80,546,698, plus strand): 5'-CCAAAGTTGGAAATGGCAATCAATTTAGTAATGTAGTAAAATTCACAACCCAAGAATCAG[G>A]TTAGATACAGTTTTTGAGCCTAAAATGTTTCTTTTTATATTTAACACCTTTCTTTTCCTT-3'